The following is an entry in ClinVar:

NM_000256.3(MYBPC3):c.2956A>G (p.Lys986Glu)

Gene: MYBPC3 (myosin binding protein C3; minus strand). Cytogenetic location: 11p11.2.
Variant type: single nucleotide variant.
Coding change: c.2956A>G on transcript NM_000256.3 (MANE Select); coding-DNA position 2956, A replaced by G.
Protein change: p.Lys986Glu; replaces lysine 986 with glutamic acid.
Molecular consequence: missense variant.
Genome position (GRCh38, 1-based): chr11:47,333,960, T>C on the plus strand (A>G on the coding strand, the complement: MYBPC3 is on the minus strand). VCF-style: chr11-47333960-T-C. GRCh37 (hg19) VCF-style: chr11-47355511-T-C.
Other names: short protein forms K986E.
Identifiers: ClinVar variation 228868 (VCV000228868.12), dbSNP rs876657871, ClinGen allele CA10576883.

ClinVar aggregate classification (germline): Uncertain significance. Review status: criteria provided, multiple submitters, no conflicts (2 of 4 stars). 5 submissions from 5 submitters: Uncertain significance (5). Last evaluated 2026-03-27.

Conditions:
Cardiovascular phenotype. Identifiers: MedGen CN230736.
Hypertrophic cardiomyopathy. Also called: HYPERTROPHIC MYOCARDIOPATHY. Identifiers: Orphanet 217569, MedGen C0007194, MeSH D002312, MONDO:0005045, HP:0001639.

Allele frequency attached by ClinVar (database versions not stated): gnomAD exomes below 0.00001 and 0.00002.
gnomAD v4.1: 23 of 1,585,112 alleles (0.0015%); highest among the groups gnomAD compares: Non-Finnish European, 0.002%; no homozygotes.

Submissions (5):

Molecular Diagnostic Laboratory for Inherited Cardiovascular Disease, Montreal Heart Institute
Classification: Uncertain significance for Cardiovascular phenotype. Last evaluated: 2026-03-27. Review status: criteria provided, single submitter. Criteria: ACMG Guidelines, 2015. Collection method: clinical testing. Allele origin: germline. Affected: yes.
Comment: PM2, PS4_supp

Ambry Genetics
Classification: Uncertain significance for Cardiovascular phenotype. Last evaluated: 2025-02-11. Review status: criteria provided, single submitter. Criteria: Ambry Variant Classification Scheme 2023. Collection method: clinical testing. Allele origin: germline.
Comment: The p.K986E variant (also known as c.2956A>G), located in coding exon 28 of the MYBPC3 gene, results from an A to G substitution at nucleotide position 2956. The lysine at codon 986 is replaced by glutamic acid, an amino acid with similar properties. This variant was reported in individual(s) with features consistent with hypertrophic cardiomyopathy (Harper AR et al. Nat Genet, 2021 Feb;53:135-142; Ambry internal data). This amino acid position is not well conserved in available vertebrate species. In addition, this alteration is predicted to be tolerated by in silico analysis. Based on the available evidence, the clinical significance of this variant remains unclear.

Labcorp Genetics (formerly Invitae), Labcorp
Classification: Uncertain significance for Hypertrophic cardiomyopathy. Last evaluated: 2024-12-02. Review status: criteria provided, single submitter. Criteria: Invitae Variant Classification Sherloc (09022015). Collection method: clinical testing. Allele origin: germline.
Comment: This sequence change replaces lysine, which is basic and polar, with glutamic acid, which is acidic and polar, at codon 986 of the MYBPC3 protein (p.Lys986Glu). The frequency data for this variant in the population databases is considered unreliable, as metrics indicate poor data quality at this position in the gnomAD database. This variant has not been reported in the literature in individuals affected with MYBPC3-related conditions. ClinVar contains an entry for this variant (Variation ID: 228868). An algorithm developed to predict the effect of missense changes on protein structure and function (PolyPhen-2) suggests that this variant is likely to be tolerated. In summary, the available evidence is currently insufficient to determine the role of this variant in disease. Therefore, it has been classified as a Variant of Uncertain Significance.

Blueprint Genetics
Classification: Uncertain significance. Last evaluated: 2024-01-30. Review status: criteria provided, single submitter. Criteria: ACMG Guidelines, 2015. Collection method: clinical testing. Allele origin: germline.

Laboratory for Molecular Medicine, Mass General Brigham Personalized Medicine
Classification: Uncertain significance. Last evaluated: 2015-03-12. Review status: criteria provided, single submitter. Criteria: LMM Criteria. Collection method: clinical testing. Allele origin: germline. Observed: 1 variant allele.
Comment: The p.Lys986Glu variant in MYBPC3 has not been previously reported in individual s with cardiomyopathy. Data from large population studies are insufficient to de termine its frequency. Lysine (Lys) at position 986 is not conserved in mammals or evolutionarily distant species and the change to glutamic acid (Glu) was pre dicted to be benign using a computational tool clinically validated by our labor atory. This tool's benign prediction is estimated to be correct 89% of the time (Jordan 2011). In summary, the clinical significance of the p.Lys986Glu variant is uncertain.

Literature cited by the submitters: PubMed 33495597 (cited by Ambry Genetics).